The following is an entry in ClinVar:

ClinVar aggregate classification (germline): Uncertain significance (1 of 4 stars; one submission).

Submission:

Labcorp Genetics (formerly Invitae), Labcorp
Classification: Uncertain significance. Last evaluated: 2021-11-21. Review status: criteria provided, single submitter. Criteria: Invitae Variant Classification Sherloc (09022015). Collection method: clinical testing. Allele origin: germline.
Comment: This sequence change replaces methionine, which is neutral and non-polar, with leucine, which is neutral and non-polar, at codon 160 of the RP1L1 protein (p.Met160Leu). This variant is not present in population databases (gnomAD no frequency). This variant has not been reported in the literature in individuals affected with RP1L1-related conditions. Advanced modeling of protein sequence and biophysical properties (such as structural, functional, and spatial information, amino acid conservation, physicochemical variation, residue mobility, and thermodynamic stability) performed at Invitae indicates that this missense variant is not expected to disrupt RP1L1 protein function. In summary, the available evidence is currently insufficient to determine the role of this variant in disease. Therefore, it has been classified as a Variant of Uncertain Significance.

NM_178857.6(RP1L1):c.478A>C (p.Met160Leu)

Gene: RP1L1 (RP1 like 1). Cytogenetic location: 8p23.1.
Variant type: single nucleotide variant.
Coding change: c.478A>C on transcript NM_178857.6 (MANE Select); coding-DNA position 478, A replaced by C.
Protein change: p.Met160Leu; replaces methionine 160 with leucine.
Molecular consequence: missense variant.
Genome position (GRCh38, 1-based): chr8:10,622,724, T>G on the plus strand (A>C on the coding strand, the complement: RP1L1 is on the minus strand). VCF-style: chr8-10622724-T-G. GRCh37 (hg19) VCF-style: chr8-10480234-T-G.
Other names: short protein forms M160L.
Identifiers: ClinVar variation 1352767 (VCV001352767.6), dbSNP rs369240307, ClinGen allele CA370300045.
Genomic context (GRCh38, chr8:10,622,724, plus strand): 5'-CGGCCAGGTTCCTAGTATTCCTGTGACTGAGAACCACTGTCTGCTGGAGGCGAGGGTCCA[T>G]GTTCTTAATCAGCAGTATCCTCCGGGGGGTTTTAAGACTCTTCCGGGAGGAGGAGGTGCC-3'
Protein context (NP_849188.4, residues 150-170): TPRRILLIKN[Met160Leu]DPRLQQTVVL